The following is an entry in ClinVar:

NM_005751.5(AKAP9):c.8986G>T (p.Asp2996Tyr)

Gene: AKAP9 (A-kinase anchoring protein 9; plus strand). Cytogenetic location: 7q21.2.
Variant type: single nucleotide variant.
Coding change: c.8986G>T on transcript NM_005751.5 (MANE Select); coding-DNA position 8986, G replaced by T.
Protein change: p.Asp2996Tyr; replaces aspartic acid 2996 with tyrosine.
Molecular consequence: missense variant.
Genome position (GRCh38, 1-based): chr7:92,085,648, G>T. VCF-style: chr7-92085648-G-T. GRCh37 (hg19) VCF-style: chr7-91714962-G-T.
Other names: c.3631G>T, p.Asp1211Tyr (NM_001379277.1); c.8962G>T, p.Asp2988Tyr (NM_147185.3); short protein forms D1211Y, D2988Y, D2996Y.
Identifiers: ClinVar variation 5033880 (VCV005033880.1).

ClinVar aggregate classification (germline): Uncertain significance (1 of 4 stars; one submission).

Conditions:
Cardiovascular phenotype. Identifiers: MedGen CN230736.

Submission:

Ambry Genetics
Classification: Uncertain significance for Cardiovascular phenotype. Last evaluated: 2026-07-04. Review status: criteria provided, single submitter. Criteria: Ambry Variant Classification Scheme 2023. Collection method: clinical testing. Allele origin: germline.
Comment: The p.D2996Y variant (also known as c.8986G>T), located in coding exon 36 of the AKAP9 gene, results from a G to T substitution at nucleotide position 8986. The aspartic acid at codon 2996 is replaced by tyrosine, an amino acid with highly dissimilar properties. This amino acid position is conserved. In addition, this alteration is predicted to be tolerated by in silico analysis. Based on the available evidence, the clinical significance of this variant remains unclear.